The following is an entry in ClinVar:

NM_000817.3(GAD1):c.478G>C (p.Asp160His)

Gene: GAD1 (glutamate decarboxylase 1; plus strand). Cytogenetic location: 2q31.1.
Variant type: single nucleotide variant.
Coding change: c.478G>C on transcript NM_000817.3 (MANE Select); coding-DNA position 478, G replaced by C.
Protein change: p.Asp160His; replaces aspartic acid 160 with histidine.
Molecular consequence: missense variant.
Genome position (GRCh38, 1-based): chr2:170,831,123, G>C. VCF-style: chr2-170831123-G-C. GRCh37 (hg19) VCF-style: chr2-171687633-G-C.
Other names: c.478G>C, p.Asp160His (NM_013445.4); short protein forms D160H.
Identifiers: ClinVar variation 3654925 (VCV003654925.2).

ClinVar aggregate classification (germline): Uncertain significance (1 of 4 stars; one submission).

Conditions:
Neurodevelopmental disorder with progressive spasticity and brain white matter abnormalities. Also called: CEREBRAL PALSY, SPASTIC QUADRIPLEGIC, 1. Identifiers: Orphanet 210141, Orphanet 641353, MedGen C5436628, MONDO:0033613, OMIM 619026.

Submission:

Labcorp Genetics (formerly Invitae), Labcorp
Classification: Uncertain significance for Neurodevelopmental disorder with progressive spasticity and brain white matter abnormalities. Last evaluated: 2024-10-07. Review status: criteria provided, single submitter. Criteria: Invitae Variant Classification Sherloc (09022015). Collection method: clinical testing. Allele origin: germline.
Comment: This sequence change replaces aspartic acid, which is acidic and polar, with histidine, which is basic and polar, at codon 160 of the GAD1 protein (p.Asp160His). This variant is not present in population databases (gnomAD no frequency). This variant has not been reported in the literature in individuals affected with GAD1-related conditions. Invitae Evidence Modeling of protein sequence and biophysical properties (such as structural, functional, and spatial information, amino acid conservation, physicochemical variation, residue mobility, and thermodynamic stability) indicates that this missense variant is not expected to disrupt GAD1 protein function with a negative predictive value of 80%. In summary, the available evidence is currently insufficient to determine the role of this variant in disease. Therefore, it has been classified as a Variant of Uncertain Significance.